The following is an entry in ClinVar:

NM_021072.4(HCN1):c.707T>C (p.Phe236Ser)

Gene: HCN1 (hyperpolarization activated cyclic nucleotide gated potassium channel 1; minus strand). Cytogenetic location: 5p12.
Variant type: single nucleotide variant.
Coding change: c.707T>C on transcript NM_021072.4 (MANE Select); coding-DNA position 707, T replaced by C.
Protein change: p.Phe236Ser; replaces phenylalanine 236 with serine.
Molecular consequence: missense variant.
Genome position (GRCh38, 1-based): chr5:45,645,327, A>G on the plus strand (T>C on the coding strand, the complement: HCN1 is on the minus strand). VCF-style: chr5-45645327-A-G. GRCh37 (hg19) VCF-style: chr5-45645429-A-G.
Other names: short protein forms F236S.
Identifiers: ClinVar variation 2430668 (VCV002430668.3), dbSNP rs2478543360, ClinGen allele CA359707296.

ClinVar aggregate classification (germline): Uncertain significance. Review status: criteria provided, multiple submitters, no conflicts (2 of 4 stars). 2 submissions from 2 submitters: Uncertain significance (2). Last evaluated 2026-05-27.

Conditions:
Inborn genetic diseases. Identifiers: MedGen C0950123, MeSH D030342.

Submissions (2):

Ambry Genetics
Classification: Uncertain significance for Inborn genetic diseases. Last evaluated: 2026-05-27. Review status: criteria provided, single submitter. Criteria: Ambry Variant Classification Scheme 2023. Collection method: clinical testing. Allele origin: germline.

GeneDx
Classification: Uncertain significance. Last evaluated: 2024-02-28. Review status: criteria provided, single submitter. Criteria: GeneDx Variant Classification Process June 2021. Collection method: clinical testing. Allele origin: germline.
Comment: Not observed at significant frequency in large population cohorts (gnomAD); In silico analysis supports that this missense variant has a deleterious effect on protein structure/function; Has not been previously published as pathogenic or benign to our knowledge